The following is an entry in ClinVar:

NM_001286.5(CLCN6):c.2429C>T (p.Ser810Leu)

Gene: CLCN6 (chloride voltage-gated channel 6; plus strand). Cytogenetic location: 1p36.22.
Variant type: single nucleotide variant.
Coding change: c.2429C>T on transcript NM_001286.5 (MANE Select); coding-DNA position 2429, C replaced by T.
Protein change: p.Ser810Leu; replaces serine 810 with leucine.
Molecular consequence: missense variant. On other transcripts: non-coding transcript variant (1).
Genome position (GRCh38, 1-based): chr1:11,838,560, C>T. VCF-style: chr1-11838560-C-T. GRCh37 (hg19) VCF-style: chr1-11898617-C-T.
Other names: c.2363C>T, p.Ser788Leu (NM_001256959.2); short protein forms S788L, S810L.
Identifiers: ClinVar variation 2777672 (VCV002777672.3), dbSNP rs1644979839, ClinGen allele CA338443488.

ClinVar aggregate classification (germline): Uncertain significance (1 of 4 stars; one submission).

Allele frequency attached by ClinVar (database versions not stated): TOPMed below 0.00001; gnomAD exomes 0.00001.
gnomAD v4.1: 10 of 1,611,630 alleles (0.00062%); highest among the groups gnomAD compares: Non-Finnish European, 0.00085%; no homozygotes.

Submission:

Labcorp Genetics (formerly Invitae), Labcorp
Classification: Uncertain significance. Last evaluated: 2023-04-12. Review status: criteria provided, single submitter. Criteria: Invitae Variant Classification Sherloc (09022015). Collection method: clinical testing. Allele origin: germline.
Comment: In summary, the available evidence is currently insufficient to determine the role of this variant in disease. Therefore, it has been classified as a Variant of Uncertain Significance. An algorithm developed to predict the effect of missense changes on protein structure and function (PolyPhen-2) suggests that this variant is likely to be tolerated. This variant has not been reported in the literature in individuals affected with CLCN6-related conditions. This variant is not present in population databases (gnomAD no frequency). This sequence change replaces serine, which is neutral and polar, with leucine, which is neutral and non-polar, at codon 810 of the CLCN6 protein (p.Ser810Leu).